The following is an entry in ClinVar:

NM_003119.4(SPG7):c.1763C>A (p.Thr588Lys)

Gene: SPG7 (SPG7 matrix AAA peptidase subunit, paraplegin; plus strand). Cytogenetic location: 16q24.3.
Variant type: single nucleotide variant.
Coding change: c.1763C>A on transcript NM_003119.4 (MANE Select); coding-DNA position 1763, C replaced by A.
Protein change: p.Thr588Lys; replaces threonine 588 with lysine.
Molecular consequence: missense variant.
Genome position (GRCh38, 1-based): chr16:89,550,593, C>A. VCF-style: chr16-89550593-C-A. GRCh37 (hg19) VCF-style: chr16-89617001-C-A.
Other names: c.1763C>A, p.Thr588Lys (NM_001363850.1); short protein forms T588K.
Identifiers: ClinVar variation 4856283 (VCV004856283.1).

ClinVar aggregate classification (germline): Uncertain significance (1 of 4 stars; one submission).

Conditions:
Hereditary spastic paraplegia 7 (SPG7). Also called: Spastic paraplegia 7; Hereditary spastic paraplegia Paraplegin type; Autosomal recessive spastic paraplegia type 7; SPASTIC PARAPLEGIA 7, AUTOSOMAL RECESSIVE, WITH OR WITHOUT CEREBELLAR ATAXIA; SPG7-related neurologic disorder. Identifiers: Orphanet 99013, MedGen C1846564, MONDO:0011803, OMIM 607259.

gnomAD v4.1: 1 of 1,613,036 alleles (0.000062%); highest among the groups gnomAD compares: Admixed American, 0.0017%; no homozygotes.

Submission:

3billion
Classification: Uncertain significance for Hereditary spastic paraplegia 7. Last evaluated: 2025-10-10. Review status: criteria provided, single submitter. Criteria: ACMG Guidelines, 2015. Collection method: clinical testing. Allele origin: germline. Affected: yes.
Comment: The variant is observed at an extremely low frequency in the gnomAD v4.1.0 dataset (total allele frequency: <0.001%). Predicted Consequence/Location: Missense variant In silico tool predictions suggest damaging effect of the variant on gene or gene product [REVEL: 0.92 (>=0.6, sensitivity 0.68 and specificity 0.92); 3Cnet: 0.80 (> 0.75, sensitivity 0.96 and precision 0.92)]. A different missense change at the same codon (p.Thr588Met) has been reported to be associated with SPG7-related disorder (PMID: 33624863). However the evidence of pathogenicity is insufficient at this time. Therefore, this variant is classified as VUS according to the recommendation of ACMG/AMP guideline.

Literature cited by the submitters: PubMed 33624863.